The following is an entry in ClinVar:

ClinVar aggregate classification (germline): Uncertain significance (1 of 4 stars; one submission).

Submission:

Labcorp Genetics (formerly Invitae), Labcorp
Classification: Uncertain significance. Last evaluated: 2025-05-09. Review status: criteria provided, single submitter. Criteria: Invitae Variant Classification Sherloc (09022015). Collection method: clinical testing. Allele origin: germline.
Comment: This sequence change replaces glycine, which is neutral and non-polar, with arginine, which is basic and polar, at codon 205 of the POLR3F protein (p.Gly205Arg). This variant is not present in population databases (gnomAD no frequency). This variant has not been reported in the literature in individuals affected with POLR3F-related conditions. Experimental studies and prediction algorithms are not available or were not evaluated, and the functional significance of this variant is currently unknown. In summary, the available evidence is currently insufficient to determine the role of this variant in disease. Therefore, it has been classified as a Variant of Uncertain Significance.

NM_006466.4(POLR3F):c.736G>A (p.Gly246Arg)

Gene: POLR3F (RNA polymerase III subunit F; plus strand). Cytogenetic location: 20p11.23.
Variant type: single nucleotide variant.
Coding change: c.736G>A on transcript NM_006466.4 (MANE Select); coding-DNA position 736, G replaced by A.
Protein change: p.Gly246Arg; replaces glycine 246 with arginine.
Molecular consequence: missense variant. On other transcripts: non-coding transcript variant (1).
Genome position (GRCh38, 1-based): chr20:18,481,673, G>A. VCF-style: chr20-18481673-G-A. GRCh37 (hg19) VCF-style: chr20-18462317-G-A.
Other names: c.613G>A, p.Gly205Arg (NM_001282526.2); c.592G>A, p.Gly198Arg (NM_001410821.1); short protein forms G246R, G198R, G205R.
Identifiers: ClinVar variation 4719276 (VCV004719276.1).
Genomic context (GRCh38, chr20:18,481,673, plus strand): 5'-TTTTAGGTAGAGTTATCCATGGAAGACATTGAAACCATCCTGAATACACTCATTTATGAT[G>A]GAAAAGTGGAGATGACGATTATTGCTGCAAAAGAAGGCACAGTTGGCAGTGTAGATGGAC-3'
Protein context (NP_006457.2, residues 236-256): ETILNTLIYD[Gly246Arg]KVEMTIIAAK